The following is an entry in ClinVar:

NM_003309.4(TSPYL1):c.405T>C (p.Cys135=)

Genes: DSE (dermatan sulfate epimerase; plus strand), TSPYL1 (TSPY like 1; minus strand), LOC129997035 (ATAC-STARR-seq lymphoblastoid active region 24984; plus strand). Cytogenetic location: 6q22.1.
Variant type: single nucleotide variant.
Coding change: c.405T>C on transcript NM_003309.4 (MANE Select); coding-DNA position 405, T replaced by C.
Protein change: p.Cys135=; no amino-acid change (cysteine 135 retained).
Molecular consequence: synonymous variant. On other transcripts: intron variant (6).
Genome position (GRCh38, 1-based): chr6:116,279,426, A>G on the plus strand (T>C on the coding strand, the complement: TSPYL1 is on the minus strand). VCF-style: chr6-116279426-A-G. GRCh37 (hg19) VCF-style: chr6-116600589-A-G.
Other names: c.-954+20459A>G (NM_001374520.1); c.-54+20459A>G (NM_001322937.2, NM_001322938.2, NM_001374522.1); c.-641+20459A>G (NM_001374521.1); c.-611+20459A>G (NM_001322940.2).
Identifiers: ClinVar variation 1999573 (VCV001999573.4), dbSNP rs1773348955, ClinGen allele CA451910587.
Genomic context (GRCh38, chr6:116,279,426, plus strand): 5'-CACCTCCTCCGCCTCAGCCTCCGCCCCCGCCGTCAGCTCAGACGCGGATCTCTGGGCGCC[A>G]CAGATTTCTAGGGCCTTCTCTCCACCCTGAACGCCCTTTTTCAGGCTGCGGTCGGCTGCC-3'
Protein context (NP_003300.1, residues 125-145): VQGGEKALEI[Cys135=]GAQRSASELT

ClinVar aggregate classification (germline): Uncertain significance (1 of 4 stars; one submission).

Allele frequency attached by ClinVar (database versions not stated): gnomAD exomes below 0.00001.
gnomAD v4.1: 1 of 1,613,348 alleles (0.000062%); highest among the groups gnomAD compares: Non-Finnish European, 0.000085%; no homozygotes.

Submission:

Labcorp Genetics (formerly Invitae), Labcorp
Classification: Uncertain significance. Last evaluated: 2022-05-27. Review status: criteria provided, single submitter. Criteria: Invitae Variant Classification Sherloc (09022015). Collection method: clinical testing. Allele origin: germline.
Comment: In summary, the available evidence is currently insufficient to determine the role of this variant in disease. Therefore, it has been classified as a Variant of Uncertain Significance. This variant has not been reported in the literature in individuals affected with TSPYL1-related conditions. This variant is not present in population databases (gnomAD no frequency). This sequence change affects codon 135 of the TSPYL1 mRNA. It is a 'silent' change, meaning that it does not change the encoded amino acid sequence of the TSPYL1 protein.